The following is an entry in ClinVar:

ClinVar aggregate classification (germline): Uncertain significance. Review status: criteria provided, multiple submitters, no conflicts (2 of 4 stars). 2 submissions from 2 submitters: Uncertain significance (2). Last evaluated 2022-10-05.

Submissions (2):

Labcorp Genetics (formerly Invitae), Labcorp
Classification: Uncertain significance. Last evaluated: 2022-10-05. Review status: criteria provided, single submitter. Criteria: Invitae Variant Classification Sherloc (09022015). Collection method: clinical testing. Allele origin: germline.
Comment: This sequence change replaces leucine, which is neutral and non-polar, with arginine, which is basic and polar, at codon 472 of the SEMA4A protein (p.Leu472Arg). This variant is not present in population databases (gnomAD no frequency). This variant has not been reported in the literature in individuals affected with SEMA4A-related conditions. Advanced modeling of protein sequence and biophysical properties (such as structural, functional, and spatial information, amino acid conservation, physicochemical variation, residue mobility, and thermodynamic stability) performed at Invitae indicates that this missense variant is expected to disrupt SEMA4A protein function. In summary, the available evidence is currently insufficient to determine the role of this variant in disease. Therefore, it has been classified as a Variant of Uncertain Significance.

Blueprint Genetics
Classification: Uncertain significance. Last evaluated: 2022-09-07. Review status: criteria provided, single submitter. Criteria: ACMG Guidelines, 2015. Collection method: clinical testing. Allele origin: germline.

NM_022367.4(SEMA4A):c.1415T>G (p.Leu472Arg)

Gene: SEMA4A (semaphorin 4A; plus strand). Cytogenetic location: 1q22.
Variant type: single nucleotide variant.
Coding change: c.1415T>G on transcript NM_022367.4 (MANE Select); coding-DNA position 1415, T replaced by G.
Protein change: p.Leu472Arg; replaces leucine 472 with arginine.
Molecular consequence: missense variant.
Genome position (GRCh38, 1-based): chr1:156,174,921, T>G. VCF-style: chr1-156174921-T-G. GRCh37 (hg19) VCF-style: chr1-156144712-T-G.
Other names: c.1415T>G, p.Leu472Arg (NM_001193300.2, NM_001193301.2, NM_001370567.1); c.1019T>G, p.Leu340Arg (NM_001193302.2); c.1118T>G, p.Leu373Arg (NM_001370568.1); c.908T>G, p.Leu303Arg (NM_001370569.1, NM_001370571.1); short protein forms L303R, L340R, L373R, L472R.
Identifiers: ClinVar variation 2065801 (VCV002065801.5), dbSNP rs2528302120, ClinGen allele CA342809126.